The following is an entry in ClinVar:

ClinVar aggregate classification (germline): Uncertain significance (1 of 4 stars; one submission).

Allele frequency attached by ClinVar (database versions not stated): gnomAD exomes below 0.00001.
gnomAD v4.1: 1 of 1,373,654 alleles (0.000073%); highest among the groups gnomAD compares: Non-Finnish European, 0.000099%; no homozygotes.

Submission:

Ambry Genetics
Classification: Uncertain significance. Last evaluated: 2023-07-17. Review status: criteria provided, single submitter. Criteria: Ambry Variant Classification Scheme 2023. Collection method: clinical testing. Allele origin: germline.
Comment: The p.Y157C variant (also known as c.470A>G), located in coding exon 5 of the PRKDC gene, results from an A to G substitution at nucleotide position 470. The tyrosine at codon 157 is replaced by cysteine, an amino acid with highly dissimilar properties. This amino acid position is conserved. In addition, the in silico prediction for this alteration is inconclusive. Since supporting evidence is limited at this time, the clinical significance of this alteration remains unclear.

NM_006904.7(PRKDC):c.470A>G (p.Tyr157Cys)

Gene: PRKDC (protein kinase, DNA-activated, catalytic subunit; minus strand). Cytogenetic location: 8q11.21.
Variant type: single nucleotide variant.
Coding change: c.470A>G on transcript NM_006904.7 (MANE Select); coding-DNA position 470, A replaced by G.
Protein change: p.Tyr157Cys; replaces tyrosine 157 with cysteine.
Molecular consequence: missense variant.
Genome position (GRCh38, 1-based): chr8:47,954,376, T>C on the plus strand (A>G on the coding strand, the complement: PRKDC is on the minus strand). VCF-style: chr8-47954376-T-C. GRCh37 (hg19) VCF-style: chr8-48866936-T-C.
Other names: c.470A>G, p.Tyr157Cys (NM_001081640.2); short protein forms Y157C.
Identifiers: ClinVar variation 2624565 (VCV002624565.2), dbSNP rs968281621, ClinGen allele CA176150662.